The following is an entry in ClinVar:

ClinVar aggregate classification (germline): Pathogenic (1 of 4 stars; one submission).

Conditions:
Developmental and epileptic encephalopathy, 38 (DEE38). Also called: Epileptic encephalopathy, early infantile, 38. Identifiers: MedGen C4310762, MONDO:0014868, OMIM 617020.

Submission:

3billion
Classification: Pathogenic for Developmental and epileptic encephalopathy, 38. Last evaluated: 2025-08-20. Review status: criteria provided, single submitter. Criteria: ACMG Guidelines, 2015. Collection method: clinical testing. Allele origin: germline. Affected: yes.
Comment: The variant is observed at an extremely low frequency in the gnomAD v4.1.0 dataset (total allele frequency: <0.001%). Predicted Consequence/Location: Frameshift: predicted to result in a loss or disruption of normal protein function through nonsense-mediated decay (NMD) or protein truncation. Multiple pathogenic variants are reported downstream of the variant. The variant has been reported to be associated with ARV1-related disorder (PMID: 36672771). Therefore, this variant is classified as Pathogenic according to the recommendation of ACMG/AMP guideline.

Literature cited by the submitters: PubMed 36672771.

NM_022786.3(ARV1):c.287_290AAAT[1] (p.Asn98fs)

Gene: ARV1 (ARV1 fatty acid homeostasis modulator; plus strand). Cytogenetic location: 1q42.2.
Variant type: Microsatellite.
Coding change: c.287_290AAAT[1] on transcript NM_022786.3 (MANE Select).
Protein change: p.Asn98fs; shifts the reading frame from asparagine 98.
Molecular consequence: frameshift variant. On other transcripts: non-coding transcript variant (1).
Genome position: GRCh38 VCF-style: chr1-230988431-CAAAT-C. GRCh37 (hg19) VCF-style: chr1-231124177-CAAAT-C.
Other names: c.291_294del (NM_022786.3); c.287_290AAAT[1], p.Asn98fs (NM_001346992.2); short protein forms N98fs.
Identifiers: ClinVar variation 4856285 (VCV004856285.1).
Genomic context (GRCh38, chr1:230,988,431, plus strand): 5'-ATCTTGATTAATGCTATATTGTGCAAAGCTCAGGCCTACAGACATATTCTTTTCAATACT[CAAAT>C]AAATGTAAGTTGTGATAATTTCATTTTTTAATTTTATTTGATGCTGTTACATTTTAAAAG-3'